The following is an entry in ClinVar:

ClinVar aggregate classification (germline): Uncertain significance (1 of 4 stars; one submission).

Conditions:
Primary ciliary dyskinesia. Also called: Ciliary dyskinesia. Identifiers: Orphanet 244, MedGen C0008780, MONDO:0016575, HP:0012265.

Allele frequency attached by ClinVar (database versions not stated): ExAC 0.00001.

Submission:

Labcorp Genetics (formerly Invitae), Labcorp
Classification: Uncertain significance for Primary ciliary dyskinesia. Last evaluated: 2022-07-15. Review status: criteria provided, single submitter. Criteria: Invitae Variant Classification Sherloc (09022015). Collection method: clinical testing. Allele origin: germline.
Comment: This sequence change replaces isoleucine, which is neutral and non-polar, with methionine, which is neutral and non-polar, at codon 766 of the DNAH5 protein (p.Ile766Met). This variant is present in population databases (rs770887454, gnomAD 0.0009%). This variant has not been reported in the literature in individuals affected with DNAH5-related conditions. Advanced modeling of protein sequence and biophysical properties (such as structural, functional, and spatial information, amino acid conservation, physicochemical variation, residue mobility, and thermodynamic stability) performed at Invitae indicates that this missense variant is not expected to disrupt DNAH5 protein function. In summary, the available evidence is currently insufficient to determine the role of this variant in disease. Therefore, it has been classified as a Variant of Uncertain Significance.

NM_001369.3(DNAH5):c.2298A>G (p.Ile766Met)

Genes: DNAH5 (dynein axonemal heavy chain 5; minus strand), DNAH5-AS1 (DNAH5 antisense RNA 1; plus strand). Cytogenetic location: 5p15.2.
Variant type: single nucleotide variant.
Coding change: c.2298A>G on transcript NM_001369.3 (MANE Select); coding-DNA position 2298, A replaced by G.
Protein change: p.Ile766Met; replaces isoleucine 766 with methionine.
Molecular consequence: missense variant.
Genome position (GRCh38, 1-based): chr5:13,894,783, T>C on the plus strand (A>G on the coding strand, the complement: DNAH5 is on the minus strand). VCF-style: chr5-13894783-T-C. GRCh37 (hg19) VCF-style: chr5-13894892-T-C.
Other names: short protein forms I766M.
Identifiers: ClinVar variation 2150008 (VCV002150008.1), dbSNP rs770887454, ClinGen allele CA3204615.